The following is an entry in ClinVar:

ClinVar aggregate classification (germline): Likely pathogenic (1 of 4 stars; one submission).

Conditions:
Nephronophthisis. Also called: Juvenile Nephronophthisis. Identifiers: Orphanet 655, MedGen C0687120, MONDO:0019005, HP:0000090.

Submission:

Labcorp Genetics (formerly Invitae), Labcorp
Classification: Likely pathogenic for Nephronophthisis. Last evaluated: 2026-01-05. Review status: criteria provided, single submitter. Criteria: Invitae Variant Classification Sherloc (09022015). Collection method: clinical testing. Allele origin: germline.
Comment: This variant results in the deletion of part of exon 2 (c.77_143+140del) of the NPHP1 gene. It is expected to disrupt RNA splicing. Variants that disrupt the donor or acceptor splice site typically lead to a loss of protein function (PMID: 16199547), and loss-of-function variants in NPHP1 are known to be pathogenic (PMID: 23559409). This variant is not present in population databases (gnomAD no frequency). This variant has not been reported in the literature in individuals affected with NPHP1-related conditions. ClinVar contains an entry for this variant (Variation ID: 2045717). In summary, the currently available evidence indicates that the variant is pathogenic, but additional data are needed to prove that conclusively. Therefore, this variant has been classified as Likely Pathogenic.

Literature cited by the submitters: PubMed 16199547; PubMed 23559409.

NM_001128178.3(NPHP1):c.77_143+140del

Gene: NPHP1 (nephrocystin 1; minus strand). Cytogenetic location: 2q13.
Variant type: Deletion.
Coding change: c.77_143+140del on transcript NM_001128178.3 (MANE Select); coding-DNA position 77 through 140 bases into the intron after coding-DNA position 143, 207 bases deleted.
Molecular consequence: splice donor variant.
Genome position (GRCh38, 1-based): chr2:110,201,281-110,201,487, 207 bases deleted. GRCh37 (hg19): chr2:110,958,859-110,959,065.
Other names: c.77_143+140del (NM_001128179.3, NM_001374256.1, NM_001374257.1 and 2 more transcripts).
Identifiers: ClinVar variation 2045717 (VCV002045717.4), dbSNP rs2467598236, ClinGen allele CA2580063729.